The following is an entry in ClinVar:

NM_001104631.2(PDE4D):c.*5304C>T

Gene: PDE4D (phosphodiesterase 4D; minus strand). Cytogenetic location: 5q11.2.
Variant type: single nucleotide variant.
Coding change: c.*5304C>T on transcript NM_001104631.2 (MANE Select); 5304 bases downstream of the stop codon, C replaced by T.
Molecular consequence: 3 prime UTR variant.
Genome position (GRCh38, 1-based): chr5:58,969,360, G>A on the plus strand (C>T on the coding strand, the complement: PDE4D is on the minus strand). VCF-style: chr5-58969360-G-A. GRCh37 (hg19) VCF-style: chr5-58265187-G-A.
Other names: c.*5304C>T (NM_001165899.2, NM_001197218.2, NM_001197219.2 and 11 more transcripts).
Identifiers: ClinVar variation 904060 (VCV000904060.4), dbSNP rs142429682, ClinGen allele CA118779694.

ClinVar aggregate classification (germline): Benign (1 of 4 stars; one submission).

Conditions:
Acrodysostosis 2 with or without hormone resistance. Also called: ACRODYSOSTOSIS 2 WITH HORMONE RESISTANCE; ACRODYSOSTOSIS 2 WITHOUT HORMONE RESISTANCE. Identifiers: Orphanet 280651, MedGen C3553250, MONDO:0013822, OMIM 614613.

Allele frequency attached by ClinVar (database versions not stated): gnomAD 0.00133 and 0.00148; TOPMed 0.00139; 1000 Genomes Project 0.00140; 1000 Genomes Project 30x 0.00156.

Submission:

Illumina Laboratory Services, Illumina
Classification: Benign for Acrodysostosis 2 with or without hormone resistance. Last evaluated: 2018-01-13. Review status: criteria provided, single submitter. Criteria: ICSL Variant Classification Criteria 13 December 2019. Collection method: clinical testing. Allele origin: germline.
Comment: This variant was observed in the ICSL laboratory as part of a predisposition screen in an ostensibly healthy population. It had not been previously curated by ICSL or reported in the Human Gene Mutation Database (HGMD: prior to June 1st, 2018), and was therefore a candidate for classification through an automated scoring system. Utilizing variant allele frequency, disease prevalence and penetrance estimates, and inheritance mode, an automated score was calculated to assess if this variant is too frequent to cause the disease. Based on the score and internal cut-off values, a variant classified as benign is not then subjected to further curation. The score for this variant resulted in a classification of benign for this disease.